The following is an entry in ClinVar:

ClinVar aggregate classification (germline): Uncertain significance (1 of 4 stars; one submission).

Conditions:
Supravalvar aortic stenosis (SVAS). Also called: Supravalvar aortic stenosis, Eisenberg type. Identifiers: Orphanet 3193, MedGen C0003499, MONDO:0008504, OMIM 185500, HP:0004381.

Allele frequency attached by ClinVar (database versions not stated): gnomAD 0.00001; TOPMed 0.00001; ExAC 0.00003; gnomAD exomes 0.00005.
gnomAD v4.1: 56 of 1,544,574 alleles (0.0036%); highest among the groups gnomAD compares: East Asian, 0.063%; no homozygotes.

Submission:

Labcorp Genetics (formerly Invitae), Labcorp
Classification: Uncertain significance for Supravalvar aortic stenosis. Last evaluated: 2025-12-15. Review status: criteria provided, single submitter. Criteria: Invitae Variant Classification Sherloc (09022015). Collection method: clinical testing. Allele origin: germline.
Comment: This sequence change replaces threonine, which is neutral and polar, with methionine, which is neutral and non-polar, at codon 477 of the ELN protein (p.Thr477Met). This variant is present in population databases (rs782074494, gnomAD 0.03%). This variant has not been reported in the literature in individuals affected with ELN-related conditions. ClinVar contains an entry for this variant (Variation ID: 1039418). Invitae Evidence Modeling of protein sequence and biophysical properties (such as structural, functional, and spatial information, amino acid conservation, physicochemical variation, residue mobility, and thermodynamic stability) indicates that this missense variant is not expected to disrupt ELN protein function with a negative predictive value of 80%. In summary, the available evidence is currently insufficient to determine the role of this variant in disease. Therefore, it has been classified as a Variant of Uncertain Significance.

NM_000501.4(ELN):c.1358-186C>T

Gene: ELN (elastin; plus strand). Cytogenetic location: 7q11.23.
Variant type: single nucleotide variant.
Coding change: c.1358-186C>T on transcript NM_000501.4 (MANE Select); 186 bases into the intron before coding-DNA position 1358, C replaced by T.
Molecular consequence: intron variant. On other transcripts: missense variant (1).
Genome position (GRCh38, 1-based): chr7:74,057,454, C>T. VCF-style: chr7-74057454-C-T. GRCh37 (hg19) VCF-style: chr7-73471784-C-T.
Other names: c.1430C>T, p.Thr477Met (NM_001278939.2); c.1373-186C>T (NM_001081754.3); c.1372+741C>T (NM_001081753.3); c.1358-186C>T (NM_001278915.2, NM_001278912.2); c.1357+741C>T (NM_001081755.3); c.1315+741C>T (NM_001278916.2); c.1171+741C>T (NM_001278913.2); c.1342+741C>T (NM_001278914.2); and 3 more; short protein forms T477M.
Identifiers: ClinVar variation 1039418 (VCV001039418.8), dbSNP rs782074494, ClinGen allele CA4292994.
Genomic context (GRCh38, chr7:74,057,454, plus strand): 5'-CAGGAGTGCTGGGTGGGCTAGTGCCAGGTGCCCCAGGCGCAGTCCCAGGTGTGCCGGGCA[C>T]GGGAGGAGTGCCAGGTGAGCTGTGTCTCCAGCCCAGAGATGGGTTTGGTTTGTCTCATGG-3'